The following is an entry in ClinVar:

ClinVar aggregate classification (germline): Uncertain significance. Review status: criteria provided, multiple submitters, no conflicts (2 of 4 stars). 3 submissions from 3 submitters: Uncertain significance (3). Last evaluated 2026-02-18.

Conditions:
LEPR-related disorder. Also called: LEPR-related disorders; LEPR-related condition.
Inborn genetic diseases. Identifiers: MedGen C0950123, MeSH D030342.

Submissions (3):

PreventionGenetics, part of Exact Sciences
Classification: Uncertain significance for LEPR-related condition. Last evaluated: 2026-02-18. Review status: criteria provided, single submitter. Criteria: ACMG Guidelines, 2015. Collection method: clinical testing. Allele origin: germline.
Comment: The LEPR c.1695G>C variant is predicted to result in the amino acid substitution p.Glu565Asp. This variant was observed in a cohort of individuals with obesity, and in vitro functional studies showed function similar to wild-type levels (Supplemental Data Set, Shah et al. 2023. PubMed ID: 36864747). This variant is reported in 0.0054% of alleles in individuals of European (Non-Finnish) descent in gnomAD. At this time, the clinical significance of this variant is uncertain due to the absence of conclusive functional and genetic evidence.

Labcorp Genetics (formerly Invitae), Labcorp
Classification: Uncertain significance. Last evaluated: 2025-08-20. Review status: criteria provided, single submitter. Criteria: Invitae Variant Classification Sherloc (09022015). Collection method: clinical testing. Allele origin: germline.
Comment: This sequence change replaces glutamic acid, which is acidic and polar, with aspartic acid, which is acidic and polar, at codon 565 of the LEPR protein (p.Glu565Asp). This variant is present in population databases (rs781065271, gnomAD 0.006%). This variant has not been reported in the literature in individuals affected with LEPR-related conditions. ClinVar contains an entry for this variant (Variation ID: 3352255). Invitae Evidence Modeling of protein sequence and biophysical properties (such as structural, functional, and spatial information, amino acid conservation, physicochemical variation, residue mobility, and thermodynamic stability) indicates that this missense variant is not expected to disrupt LEPR protein function with a negative predictive value of 80%. In summary, the available evidence is currently insufficient to determine the role of this variant in disease. Therefore, it has been classified as a Variant of Uncertain Significance.

Ambry Genetics
Classification: Uncertain significance for Inborn genetic diseases. Last evaluated: 2025-04-20. Review status: criteria provided, single submitter. Criteria: Ambry Variant Classification Scheme 2023. Collection method: clinical testing. Allele origin: germline.

NM_002303.6(LEPR):c.1695G>C (p.Glu565Asp)

Gene: LEPR (leptin receptor; plus strand). Cytogenetic location: 1p31.3.
Variant type: single nucleotide variant.
Coding change: c.1695G>C on transcript NM_002303.6 (MANE Select); coding-DNA position 1695, G replaced by C.
Protein change: p.Glu565Asp; replaces glutamic acid 565 with aspartic acid.
Molecular consequence: missense variant.
Genome position (GRCh38, 1-based): chr1:65,608,844, G>C. VCF-style: chr1-65608844-G-C. GRCh37 (hg19) VCF-style: chr1-66074527-G-C.
Other names: c.1695G>C, p.Glu565Asp (NM_001003679.3, NM_001003680.3, NM_001198687.2 and 2 more transcripts); short protein forms E565D.
Identifiers: ClinVar variation 3352255 (VCV003352255.4).